The following is an entry in ClinVar:

NM_000787.4(DBH):c.806G>T (p.Cys269Phe)

Gene: DBH (dopamine beta-hydroxylase; plus strand). Cytogenetic location: 9q34.2.
Variant type: single nucleotide variant.
Coding change: c.806G>T on transcript NM_000787.4 (MANE Select); coding-DNA position 806, G replaced by T.
Protein change: p.Cys269Phe; replaces cysteine 269 with phenylalanine.
Molecular consequence: missense variant.
Genome position (GRCh38, 1-based): chr9:133,643,474, G>T. VCF-style: chr9-133643474-G-T. GRCh37 (hg19) VCF-style: chr9-136508596-G-T.
Other names: G764T; C255F; short protein forms C269F.
Identifiers: ClinVar variation 217763 (VCV000217763.4), dbSNP rs863225245, ClinGen allele CA347656.
Genomic context (GRCh38, chr9:133,643,474, plus strand): 5'-ACGAGCCCATCGTCACCAAGGGCAATGAGGCCCTTGTCCACCACATGGAAGTCTTCCAGT[G>T]CGCCCCCGAGATGGACAGCGTCCCCCACTTCAGCGGGCCCTGCGACTCCAAGATGAAACC-3'
Protein context (NP_000778.3, residues 259-279): ALVHHMEVFQ[Cys269Phe]APEMDSVPHF

ClinVar aggregate classification (germline): not provided (0 of 4 stars; one submission).

Conditions:
Orthostatic hypotension 1 (ORTHYP1). Also called: Dopamine beta-hydroxylase deficiency; NORADRENALINE DEFICIENCY; NOREPINEPHRINE DEFICIENCY; Orthostatic hypotension 1, due to DBH deficiency. Identifiers: Orphanet 230, MedGen C4746777, MONDO:0009123, OMIM 223360.

Submission:

GeneReviews
No classification provided. Condition: Orthostatic hypotension 1. Review status: no classification provided. Collection method: literature only. Allele origin: germline.
Comment: Identified in the Netherlands [Deinum et al 2004]

Literature cited by the submitters: PubMed 15060114; NCBI Bookshelf NBK1474.